The following is an entry in ClinVar:

ClinVar aggregate classification (germline): Uncertain significance (1 of 4 stars; one submission).

gnomAD v4.1: 1 of 1,610,694 alleles (0.000062%); highest among the groups gnomAD compares: South Asian, 0.0011%; no homozygotes.

Submission:

GeneDx
Classification: Uncertain significance. Last evaluated: 2024-10-17. Review status: criteria provided, single submitter. Criteria: GeneDx Variant Classification Process June 2021. Collection method: clinical testing. Allele origin: germline. Affected: yes.
Comment: Not observed at significant frequency in large population cohorts (gnomAD); Missense variant in a gene in which most reported pathogenic variants are truncating/loss of function; Has not been previously published as pathogenic or benign to our knowledge

NM_001267550.2(TTN):c.20045G>A (p.Gly6682Asp)

Genes: TTN (titin; minus strand), LOC126806429 (BRD4-independent group 4 enhancer GRCh37_chr2:179591393-179592592; plus strand). Cytogenetic location: 2q31.2.
Variant type: single nucleotide variant.
Coding change: c.20045G>A on transcript NM_001267550.2 (MANE Select); coding-DNA position 20045, G replaced by A.
Protein change: p.Gly6682Asp; replaces glycine 6682 with aspartic acid.
Molecular consequence: missense variant. On other transcripts: intron variant (3).
Genome position (GRCh38, 1-based): chr2:178,727,320, C>T on the plus strand (G>A on the coding strand, the complement: TTN is on the minus strand). VCF-style: chr2-178727320-C-T. GRCh37 (hg19) VCF-style: chr2-179592047-C-T.
Other names: c.19094G>A, p.Gly6365Asp (NM_001256850.1); c.16313G>A, p.Gly5438Asp (NM_133378.4); c.13282+10762G>A (NM_003319.4); c.13858+10762G>A (NM_133437.4); c.13657+10762G>A (NM_133432.3); short protein forms G5438D, G6365D, G6682D.
Identifiers: ClinVar variation 3781270 (VCV003781270.1).